The following is an entry in ClinVar:

NM_001308120.2(TOGARAM1):c.2557C>T (p.Leu853Phe)

Gene: TOGARAM1 (TOG array regulator of axonemal microtubules 1; plus strand). Cytogenetic location: 14q21.2.
Variant type: single nucleotide variant.
Coding change: c.2557C>T on transcript NM_001308120.2 (MANE Select); coding-DNA position 2557, C replaced by T.
Protein change: p.Leu853Phe; replaces leucine 853 with phenylalanine.
Molecular consequence: missense variant. On other transcripts: non-coding transcript variant (1).
Genome position (GRCh38, 1-based): chr14:45,004,279, C>T. VCF-style: chr14-45004279-C-T. GRCh37 (hg19) VCF-style: chr14-45473482-C-T.
Other names: c.2557C>T, p.Leu853Phe (NM_015091.4); short protein forms L853F.
Identifiers: ClinVar variation 4882989 (VCV004882989.2).

ClinVar aggregate classification (germline): Uncertain significance (1 of 4 stars; one submission).

Submission:

Dasa
Classification: Uncertain significance. Last evaluated: 2024-06-12. Review status: criteria provided, single submitter. Criteria: DASA Assertion Criteria. Collection method: clinical testing. Allele origin: germline.
Comment: NM_001308120.2(TOGARAM1):c.2557C>T (p.Leu853Phe) is a missense variant that results in the substitution of leucine with phenylalanine. This variant is rare in population databases. Computational prediction algorithms are consistent with a benign effect. The currently available literature and clinical evidence are not sufficient to establish a definitive association between this variant and the reported condition. Therefore, this variant is classified as a variant of uncertain significance.